The following is an entry in ClinVar:

NM_182972.3(IRF2BP2):c.576G>C (p.Met192Ile)

Gene: IRF2BP2 (interferon regulatory factor 2 binding protein 2; minus strand). Cytogenetic location: 1q42.3.
Variant type: single nucleotide variant.
Coding change: c.576G>C on transcript NM_182972.3 (MANE Select); coding-DNA position 576, G replaced by C.
Protein change: p.Met192Ile; replaces methionine 192 with isoleucine.
Molecular consequence: missense variant.
Genome position (GRCh38, 1-based): chr1:234,608,919, C>G on the plus strand (G>C on the coding strand, the complement: IRF2BP2 is on the minus strand). VCF-style: chr1-234608919-C-G. GRCh37 (hg19) VCF-style: chr1-234744665-C-G.
Other names: c.576G>C, p.Met192Ile (NM_001077397.1); short protein forms M192I.
Identifiers: ClinVar variation 3713801 (VCV003713801.2).

ClinVar aggregate classification (germline): Uncertain significance (1 of 4 stars; one submission).

Submission:

Labcorp Genetics (formerly Invitae), Labcorp
Classification: Uncertain significance. Last evaluated: 2024-09-08. Review status: criteria provided, single submitter. Criteria: Invitae Variant Classification Sherloc (09022015). Collection method: clinical testing. Allele origin: germline.
Comment: This sequence change replaces methionine, which is neutral and non-polar, with isoleucine, which is neutral and non-polar, at codon 192 of the IRF2BP2 protein (p.Met192Ile). This variant is not present in population databases (gnomAD no frequency). This variant has not been reported in the literature in individuals affected with IRF2BP2-related conditions. An algorithm developed to predict the effect of missense changes on protein structure and function (PolyPhen-2) suggests that this variant is likely to be tolerated. In summary, the available evidence is currently insufficient to determine the role of this variant in disease. Therefore, it has been classified as a Variant of Uncertain Significance.